The following is an entry in ClinVar:

ClinVar aggregate classification (germline): Uncertain significance (1 of 4 stars; one submission).

Conditions:
Familial cold autoinflammatory syndrome 3 (FCAS3). Also called: FAMILIAL ATYPICAL COLD URTICARIA; ANTIBODY DEFICIENCY AND IMMUNE DYSREGULATION, PLCG2-ASSOCIATED. Identifiers: Orphanet 300359, MedGen C3280914, MONDO:0013766, OMIM 614468.

Allele frequency attached by ClinVar (database versions not stated): gnomAD exomes below 0.00001 and 0.00001.
gnomAD v4.1: 3 of 1,613,180 alleles (0.00019%); highest among the groups gnomAD compares: Non-Finnish European, 0.000085%; no homozygotes.

Submission:

Labcorp Genetics (formerly Invitae), Labcorp
Classification: Uncertain significance for Familial cold autoinflammatory syndrome 3. Last evaluated: 2024-07-29. Review status: criteria provided, single submitter. Criteria: Invitae Variant Classification Sherloc (09022015). Collection method: clinical testing. Allele origin: germline.
Comment: This sequence change replaces arginine, which is basic and polar, with histidine, which is basic and polar, at codon 653 of the PLCG2 protein (p.Arg653His). The frequency data for this variant in the population databases is considered unreliable, as metrics indicate poor data quality at this position in the gnomAD database. This variant has not been reported in the literature in individuals affected with PLCG2-related conditions. ClinVar contains an entry for this variant (Variation ID: 1037678). An algorithm developed to predict the effect of missense changes on protein structure and function (PolyPhen-2) suggests that this variant is likely to be tolerated. In summary, the available evidence is currently insufficient to determine the role of this variant in disease. Therefore, it has been classified as a Variant of Uncertain Significance.

NM_002661.5(PLCG2):c.1958G>A (p.Arg653His)

Gene: PLCG2 (phospholipase C gamma 2; plus strand). Cytogenetic location: 16q23.3.
Variant type: single nucleotide variant.
Coding change: c.1958G>A on transcript NM_002661.5 (MANE Select); coding-DNA position 1958, G replaced by A.
Protein change: p.Arg653His; replaces arginine 653 with histidine.
Molecular consequence: missense variant.
Genome position (GRCh38, 1-based): chr16:81,912,620, G>A. VCF-style: chr16-81912620-G-A. GRCh37 (hg19) VCF-style: chr16-81946225-G-A.
Other names: short protein forms R653H.
Identifiers: ClinVar variation 1037678 (VCV001037678.8), dbSNP rs1325870340, ClinGen allele CA396901256.
Genomic context (GRCh38, chr16:81,912,620, plus strand): 5'-CGCTCACCTGGTCGTTTTCCCTGGCCCTGTGCCGCAGGTGGTACTATGACAGCCTGAGCC[G>A]CGGAGAGGCAGAGGACATGCTGATGAGGATTCCCCGGGACGGGGCCTTCCTGATCCGGAA-3'
Protein context (NP_002652.2, residues 643-663): SKPWYYDSLS[Arg653His]GEAEDMLMRI